The following is an entry in ClinVar:

NM_004698.4(PRPF3):c.1649A>G (p.Asn550Ser)

Gene: PRPF3 (pre-mRNA processing factor 3; plus strand). Cytogenetic location: 1q21.2.
Variant type: single nucleotide variant.
Coding change: c.1649A>G on transcript NM_004698.4 (MANE Select); coding-DNA position 1649, A replaced by G.
Protein change: p.Asn550Ser; replaces asparagine 550 with serine.
Molecular consequence: missense variant. On other transcripts: non-coding transcript variant (4).
Genome position (GRCh38, 1-based): chr1:150,346,026, A>G. VCF-style: chr1-150346026-A-G. GRCh37 (hg19) VCF-style: chr1-150318502-A-G.
Other names: c.1244A>G, p.Asn415Ser (NM_001350529.1); short protein forms N415S, N550S.
Identifiers: ClinVar variation 866326 (VCV000866326.7), dbSNP rs1658242037, ClinGen allele CA342283730.

ClinVar aggregate classification (germline): Conflicting classifications of pathogenicity. Review status: criteria provided, conflicting classifications (1 of 4 stars). 2 submissions from 2 submitters: Uncertain significance (1); Likely benign (1). Last evaluated 2022-05-13.

Allele frequency attached by ClinVar (database versions not stated): gnomAD exomes below 0.00001.
gnomAD v4.1: 2 of 1,614,114 alleles (0.00012%); highest among the groups gnomAD compares: East Asian, 0.0045%; no homozygotes.

Submissions (2):

Labcorp Genetics (formerly Invitae), Labcorp
Classification: Uncertain significance. Last evaluated: 2022-05-13. Review status: criteria provided, single submitter. Criteria: Invitae Variant Classification Sherloc (09022015). Collection method: clinical testing. Allele origin: germline.
Comment: In summary, the available evidence is currently insufficient to determine the role of this variant in disease. Therefore, it has been classified as a Variant of Uncertain Significance. Algorithms developed to predict the effect of missense changes on protein structure and function (SIFT, PolyPhen-2, Align-GVGD) all suggest that this variant is likely to be tolerated. ClinVar contains an entry for this variant (Variation ID: 866326). This missense change has been observed in individual(s) with retinitis pigmentosa (Invitae). This variant is not present in population databases (gnomAD no frequency). This sequence change replaces asparagine, which is neutral and polar, with serine, which is neutral and polar, at codon 550 of the PRPF3 protein (p.Asn550Ser).

Blueprint Genetics
Classification: Likely benign. Last evaluated: 2020-04-21. Review status: criteria provided, single submitter. Criteria: ACMG Guidelines, 2015. Collection method: clinical testing. Allele origin: germline.